The following is an entry in ClinVar:

ClinVar aggregate classification (germline): Uncertain significance (1 of 4 stars; one submission).

Conditions:
Developmental and epileptic encephalopathy, 1 (DEE1). Also called: X-linked infantile spasms; West's syndrome; Tonic spasms with clustering, arrest of psychomotor development and hypsarrhythmia on EEG; X-Linked Infantile Spasm Syndrome; INFANTILE SPASM SYNDROME, X-LINKED 1; Epileptic encephalopathy, early infantile, 1. Identifiers: MedGen C3463992, MONDO:0010632, OMIM 308350. Disease mechanism: loss of function.
Autosomal recessive spinocerebellar ataxia 12. Also called: SPINOCEREBELLAR ATAXIA WITH MENTAL RETARDATION AND EPILEPSY. Identifiers: Orphanet 284282, MedGen C3280452, MONDO:0013687, OMIM 614322.

Allele frequency attached by ClinVar (database versions not stated): gnomAD exomes below 0.00001.
gnomAD v4.1: 1 of 1,576,204 alleles (0.000063%); highest among the groups gnomAD compares: Non-Finnish European, 0.000086%; no homozygotes.

Submission:

Labcorp Genetics (formerly Invitae), Labcorp
Classification: Uncertain significance for Developmental and epileptic encephalopathy, 1; Autosomal recessive spinocerebellar ataxia 12. Last evaluated: 2018-09-27. Review status: criteria provided, single submitter. Criteria: Invitae Variant Classification Sherloc (09022015). Collection method: clinical testing. Allele origin: germline.
Comment: This sequence change replaces aspartic acid with valine at codon 11 of the WWOX protein (p.Asp11Val). The aspartic acid residue is highly conserved and there is a large physicochemical difference between aspartic acid and valine. This variant is not present in population databases (ExAC no frequency). This variant has not been reported in the literature in individuals with WWOX-related disease. Algorithms developed to predict the effect of missense changes on protein structure and function are either unavailable or do not agree on the potential impact of this missense change (SIFT: "Deleterious"; PolyPhen-2: "Probably Damaging"; Align-GVGD: "Class C0"). In summary, the available evidence is currently insufficient to determine the role of this variant in disease. Therefore, it has been classified as a Variant of Uncertain Significance.

NM_016373.4(WWOX):c.32A>T (p.Asp11Val)

Gene: WWOX (WW domain containing oxidoreductase; plus strand). Cytogenetic location: 16q23.1.
Variant type: single nucleotide variant.
Coding change: c.32A>T on transcript NM_016373.4 (MANE Select); coding-DNA position 32, A replaced by T.
Protein change: p.Asp11Val; replaces aspartic acid 11 with valine.
Molecular consequence: missense variant. On other transcripts: 5 prime UTR variant (1), non-coding transcript variant (2).
Genome position (GRCh38, 1-based): chr16:78,099,810, A>T. VCF-style: chr16-78099810-A-T. GRCh37 (hg19) VCF-style: chr16-78133707-A-T.
Other names: c.-243A>T (NM_001291997.2); c.32A>T, p.Asp11Val (NM_130791.5); short protein forms D11V.
Identifiers: ClinVar variation 650478 (VCV000650478.7), dbSNP rs1597189624, ClinGen allele CA396841785.